The following is an entry in ClinVar:

ClinVar aggregate classification (germline): Pathogenic (1 of 4 stars; one submission).

Conditions:
Hereditary cancer-predisposing syndrome. Also called: Neoplastic Syndromes, Hereditary; Tumor predisposition; Hereditary Cancer Syndrome; Hereditary neoplastic syndrome. Identifiers: Orphanet 140162, MedGen C0027672, MeSH D009386, MONDO:0015356.

Submission:

Ambry Genetics
Classification: Pathogenic for Hereditary cancer-predisposing syndrome. Last evaluated: 2022-09-23. Review status: criteria provided, single submitter. Criteria: Ambry Variant Classification Scheme 2023. Collection method: clinical testing. Allele origin: germline.
Comment: The c.1816delG pathogenic mutation, located in coding exon 11 of the PMS2 gene, results from a deletion of one nucleotide at nucleotide position 1816, causing a translational frameshift with a predicted alternate stop codon (p.D606Mfs*2). This alteration is expected to result in loss of function by premature protein truncation or nonsense-mediated mRNA decay. As such, this alteration is interpreted as a disease-causing mutation.

NM_000535.7(PMS2):c.1816del (p.Asp606fs)

Gene: PMS2 (PMS1 homolog 2, mismatch repair system component; minus strand). Cytogenetic location: 7p22.1.
Variant type: Deletion.
Coding change: c.1816del on transcript NM_000535.7 (MANE Select); coding-DNA position 1816, one base deleted (G; older notation c.1816delG).
Protein change: p.Asp606fs; shifts the reading frame from aspartic acid 606.
Molecular consequence: frameshift variant. On other transcripts: non-coding transcript variant (1).
Genome position (GRCh38, 1-based): chr7:5,986,949, C deleted on the plus strand (G on the coding strand, the reverse complement: PMS2 is on the minus strand). VCF-style (leftmost placement, unchanged base first): chr7-5986948-TC-T. GRCh37 (hg19) VCF-style: chr7-6026579-TC-T.
Other names: c.1411delG, p.Asp471Metfs (NM_001018040.1, NM_001406887.1, NM_001406888.1 and 13 more transcripts); c.1411del, p.Asp471fs (NM_001322003.2, NM_001322004.2, NM_001322005.2 and 1 more transcripts); c.1660del, p.Asp554fs (NM_001322006.2); c.1498del, p.Asp500fs (NM_001322007.2, NM_001322008.2); c.1255del, p.Asp419fs (NM_001322010.2); c.883del, p.Asp295fs (NM_001322011.2, NM_001322012.2); c.1243del, p.Asp415fs (NM_001322013.2); c.1816del, p.Asp606fs (NM_001322014.2); and 19 more; short protein forms D471fs, D415fs, D419fs, D606fs, D554fs, D295fs, D500fs, D503fs.
Identifiers: ClinVar variation 1780675 (VCV001780675.2), dbSNP rs2535728872, ClinGen allele CA2580076883.